The following is an entry in ClinVar:

NM_052844.4(DYNC2I2):c.1355C>T (p.Ala452Val)

Gene: DYNC2I2 (dynein 2 intermediate chain 2; minus strand). Cytogenetic location: 9q34.11.
Variant type: single nucleotide variant.
Coding change: c.1355C>T on transcript NM_052844.4 (MANE Select); coding-DNA position 1355, C replaced by T.
Protein change: p.Ala452Val; replaces alanine 452 with valine.
Molecular consequence: missense variant.
Genome position (GRCh38, 1-based): chr9:128,634,243, G>A on the plus strand (C>T on the coding strand, the complement: DYNC2I2 is on the minus strand). VCF-style: chr9-128634243-G-A. GRCh37 (hg19) VCF-style: chr9-131396522-G-A.
Other names: short protein forms A452V.
Identifiers: ClinVar variation 2087655 (VCV002087655.4), dbSNP rs2542427870, ClinGen allele CA375109012.

ClinVar aggregate classification (germline): Uncertain significance (1 of 4 stars; one submission).

Conditions:
Short-rib thoracic dysplasia 11 with or without polydactyly (SRTD11). Also called: SHORT-RIB THORACIC DYSPLASIA 11 WITHOUT POLYDACTYLY. Identifiers: Orphanet 474, Orphanet 93271, MedGen C3810200, MONDO:0014287, OMIM 615633.

Allele frequency attached by ClinVar (database versions not stated): gnomAD exomes below 0.00001.
gnomAD v4.1: 1 of 1,613,770 alleles (0.000062%); highest among the groups gnomAD compares: Non-Finnish European, 0.000085%; no homozygotes.

Submission:

Labcorp Genetics (formerly Invitae), Labcorp
Classification: Uncertain significance for Short-rib thoracic dysplasia 11 with or without polydactyly. Last evaluated: 2022-08-23. Review status: criteria provided, single submitter. Criteria: Invitae Variant Classification Sherloc (09022015). Collection method: clinical testing. Allele origin: germline.
Comment: In summary, the available evidence is currently insufficient to determine the role of this variant in disease. Therefore, it has been classified as a Variant of Uncertain Significance. Algorithms developed to predict the effect of missense changes on protein structure and function (SIFT, PolyPhen-2, Align-GVGD) all suggest that this variant is likely to be disruptive. This sequence change replaces alanine, which is neutral and non-polar, with valine, which is neutral and non-polar, at codon 452 of the WDR34 protein (p.Ala452Val). This variant has not been reported in the literature in individuals affected with WDR34-related conditions. This variant is not present in population databases (gnomAD no frequency).